The following is an entry in ClinVar:

ClinVar aggregate classification (germline): Pathogenic. Review status: criteria provided, multiple submitters, no conflicts (2 of 4 stars). 2 submissions from 2 submitters: Pathogenic (2). Last evaluated 2026-01-11.

Conditions:
Recessive dystrophic epidermolysis bullosa (RDEB). Also called: severe generalized recessive dystrophic epidermolysis bullosa; Recessive DEB (RDEB); DYSTROPHIC EPIDERMOLYSIS BULLOSA, AUTOSOMAL RECESSIVE; EPIDERMOLYSIS BULLOSA DYSTROPHICA, HALLOPEAU-SIEMENS TYPE; Hallopeau-Siemens Disease; EPIDERMOLYSIS BULLOSA DYSTROPHICA, GENERALIZED SEVERE, AUTOSOMAL RECESSIVE. Identifiers: Orphanet 79408, Orphanet 79409, MedGen C0079474, MONDO:0009179, OMIM 226600.

Submissions (2):

Labcorp Genetics (formerly Invitae), Labcorp
Classification: Pathogenic. Last evaluated: 2026-01-11. Review status: criteria provided, single submitter. Criteria: Invitae Variant Classification Sherloc (09022015). Collection method: clinical testing. Allele origin: germline.
Comment: This sequence change creates a premature translational stop signal (p.Asn116Glnfs*13) in the COL7A1 gene. It is expected to result in an absent or disrupted protein product. Loss-of-function variants in COL7A1 are known to be pathogenic (PMID: 16971478). This variant is present in population databases (no rsID available, gnomAD 0.0009%). This premature translational stop signal has been observed in individual(s) with dystrophic epidermolysis bullosa (PMID: 12207583). This variant is also known as 344insG. ClinVar contains an entry for this variant (Variation ID: 2734529). Algorithms developed to predict the effect of sequence changes on RNA splicing suggest that this variant may disrupt the consensus splice site. For these reasons, this variant has been classified as Pathogenic.

Myriad Genetics, Inc.
Classification: Pathogenic for Recessive dystrophic epidermolysis bullosa. Last evaluated: 2025-03-20. Review status: criteria provided, single submitter. Criteria: Myriad Autosomal Dominant, Autosomal Recessive and X-Linked Classification Criteria (2023). Collection method: clinical testing. Allele origin: unknown.
Comment: NM_000094.3(COL7A1):c.344dupG(N116Qfs*13) is expected to be pathogenic in the context of dystrophic epidermolysis bullosa. This variant is predicted to lead to an abnormal or absent protein product due to the creation of a premature termination codon in COL7A1, a gene where loss-of-function variants are known to be pathogenic. Please note: this variant was assessed in the context of healthy population screening.

Literature cited by the submitters: PubMed 16971478 (cited by Labcorp Genetics (formerly Invitae), Labcorp); PubMed 12207583 (cited by Labcorp Genetics (formerly Invitae), Labcorp).

NM_000094.4(COL7A1):c.344dup (p.Asn116fs)

Gene: COL7A1 (collagen type VII alpha 1 chain; minus strand). Cytogenetic location: 3p21.31.
Variant type: Duplication.
Coding change: c.344dup on transcript NM_000094.4 (MANE Select); coding-DNA position 344, one base duplicated (G; older notation c.344dupG).
Protein change: p.Asn116fs; shifts the reading frame from asparagine 116.
Molecular consequence: frameshift variant.
Genome position (GRCh38, 1-based): chr3:48,593,619, C duplicated on the plus strand (G on the coding strand, the reverse complement: COL7A1 is on the minus strand); the first of 6 consecutive C bases (chr3:48,593,619-48,593,624); duplicating any one gives the same sequence. VCF-style (leftmost placement, unchanged base first): chr3-48593618-G-GC. GRCh37 (hg19) VCF-style: chr3-48631051-G-GC.
Other names: short protein forms N116fs.
Identifiers: ClinVar variation 2734529 (VCV002734529.4), dbSNP rs1480404745, ClinGen allele CA543045413.
Genomic context (GRCh38, chr3:48,593,618, plus strand): 5'-CAGCTGGGGCAGGAAGACATGGTCAGCCACATGGAGAATTGCAGCCCCTGTGCGAGTGTT[G>GC]CCCCCCTTGTAGCTAAGCTCACGGATGGCGCGGATCACATCACCCCCAGAGCCAAGTGCA-3'